The following is an entry in ClinVar:

ClinVar aggregate classification (germline): Conflicting classifications of pathogenicity. Review status: criteria provided, conflicting classifications (1 of 4 stars). 10 submissions from 10 submitters: Pathogenic (2); Likely pathogenic (1); Uncertain significance (1); Benign (3). 3 of the submissions do not count toward it. Last evaluated 2026-01-28.

Conditions:
UGT1A9-related disorder. Also called: UGT1A9-related condition.
UGT1A8-related condition.
Lucey-Driscoll syndrome (HBLRTFN). Also called: Transient familial neonatal hyperbilirubinemia. Identifiers: Orphanet 2312, MedGen C0270210, MONDO:0009383, OMIM 237900.
Crigler-Najjar syndrome, type II. Also called: Crigler Najjar syndrome, type 2; Mutation in the UDP-glucuronosyl-transferase gene; HYPERBILIRUBINEMIA, CRIGLER-NAJJAR TYPE II. Identifiers: Orphanet 205, Orphanet 79235, MedGen C2931132, MONDO:0011725, OMIM 606785.
Crigler-Najjar syndrome type 1. Also called: HYPERBILIRUBINEMIA, CRIGLER-NAJJAR TYPE I. Identifiers: Orphanet 79234, MedGen C0010324, MONDO:0021020, OMIM 218800.
Gilbert syndrome, susceptibility to. Identifiers: MedGen C4016425.
Gilbert syndrome. Also called: Gilbert's syndrome; Gilbert Disease; HYPERBILIRUBINEMIA, GILBERT TYPE; HYPERBILIRUBINEMIA I; HYPERBILIRUBINEMIA, ARIAS TYPE. Identifiers: MedGen C0017551, MONDO:0007745, OMIM 143500.

Allele frequency attached by ClinVar (database versions not stated): gnomAD 0.55614 and 0.56024; TOPMed 0.56372; 1000 Genomes Project 0.58806; 1000 Genomes Project 30x 0.59760.
gnomAD v4.1: 83,838 of 151,034 alleles (56%); highest among the groups gnomAD compares: African/African-American, 82%; 25,476 homozygotes.

Submissions (10):

Women's Health and Genetics/Laboratory Corporation of America, LabCorp
Classification: Benign. Last evaluated: 2026-01-28. Review status: criteria provided, single submitter. Criteria: LabCorp Variant Classification Summary - May 2015. Collection method: clinical testing. Allele origin: germline.
Comment: Variant summary: UGT1A1 c.-3275T>G is located in the untranscribed region upstream of the UGT1A1 gene region. The variant allele was found at a frequency of 0.55 in 31172 control chromosomes, suggesting that it is the major allele and therefore benign. The observed variant frequency exceeds the estimated maximal expected allele frequency for disease-causing variants in UGT1A1, including 5150 homozygotes (gnomAD, Genomes data). c.-3275T>G has been observed in individuals affected with UGT1A1-Related Disorders and this variant is a genetic risk factor for the disease (Sugatani_2002, Yusoff_2010, Sun_2017). These reports do not provide unequivocal conclusions about association of the variant with UGT1A1-Related Disorders. Functional studies report this variant reduced transcriptional activity (Sugatani_2008, Yusoff_2010). The following publications have been ascertained in the context of this evaluation (PMID: 11316168, 11906189, 18172616, 29137095, 24307569, 20057336). ClinVar contains an entry for this variant (Variation ID: 12288). Based on the evidence outlined above, the variant was classified as benign.

CeGaT Center for Human Genetics Tuebingen
Classification: Benign. Last evaluated: 2025-06-01. Review status: criteria provided, single submitter. Criteria: CeGaT Center For Human Genetics Tuebingen Variant Classification Criteria Version 2. Collection method: clinical testing. Allele origin: germline. Affected: yes. Observed: 13 variant alleles.
Comment: UGT1A10: BS1, BS2; UGT1A3: BS1, BS2; UGT1A4: BS1, BS2; UGT1A5: BS1, BS2; UGT1A6: BS1, BS2; UGT1A7: BS1, BS2; UGT1A8: BS1, BS2; UGT1A9: BS1, BS2

Department of Pathology and Laboratory Medicine, Sinai Health System
Classification: Pathogenic for UGT1A8-related condition. Last evaluated: 2023-07-07. Review status: criteria provided, single submitter. Criteria: ACMG Guidelines, 2015. Collection method: research. Allele origin: germline.

ARUP Laboratories, Molecular Genetics and Genomics, ARUP Laboratories
Classification: Benign. Last evaluated: 2022-08-19. Review status: criteria provided, single submitter. Criteria: ARUP Molecular Germline Variant Investigation Process 2021. Collection method: clinical testing. Allele origin: germline.

Institute of Human Genetics, University of Leipzig Medical Center
Classification: Pathogenic for Gilbert syndrome. Last evaluated: 2022-08-12. Review status: criteria provided, single submitter. Criteria: ACMG Guidelines, 2015. Collection method: clinical testing. Allele origin: unknown. Inheritance: Autosomal recessive inheritance. Affected: yes.
Comment: Criteria applied: PS3,PS4,PM3

CENTOGENE GmbH and LLC - Guiding Precision Medicine
Classification: Likely pathogenic for Gilbert syndrome. Review status: criteria provided, single submitter. Criteria: ACMG Guidelines, 2015. Collection method: clinical testing. Allele origin: germline. Affected: yes.

Pediatric/Medical Genetics, Ministry of Health, Qatif Central Hospital
Classification: Uncertain significance for Crigler-Najjar syndrome, type II; Lucey-Driscoll syndrome; Crigler-Najjar syndrome type 1. Review status: criteria provided, single submitter. Criteria: ACMG Guidelines, 2015. Collection method: clinical testing. Allele origin: germline. Inheritance: Autosomal recessive inheritance. Affected: yes.

PreventionGenetics, part of Exact Sciences
Classification: Benign for UGT1A9-related condition. Last evaluated: 2023-01-16. Review status: no assertion criteria provided. Collection method: clinical testing. Allele origin: germline. Not counted in ClinVar's aggregate classification.
Comment: This variant is classified as benign based on ACMG/AMP sequence variant interpretation guidelines (Richards et al. 2015 PMID: 25741868, with internal and published modifications).

Difficult and Complicated Liver Diseases and Artificial Liver Center, Beijing You An Hospital, Capital Medical University
Classification: Pathogenic for Gilbert syndrome. Last evaluated: 2019-05-01. Review status: no assertion criteria provided. Collection method: case-control. Allele origin: inherited. Affected: yes. Observed: 101 variant alleles. Not counted in ClinVar's aggregate classification.

OMIM
Classification: risk factor for GILBERT SYNDROME, SUSCEPTIBILITY TO. Last evaluated: 2004-11-01. Review status: no assertion criteria provided. Collection method: literature only. Allele origin: germline. Not counted in ClinVar's aggregate classification.

Literature cited by the submitters: PubMed 29137095 (cited by Women's Health and Genetics/Laboratory Corporation of America, LabCorp); PubMed 11316168 (cited by Women's Health and Genetics/Laboratory Corporation of America, LabCorp); PubMed 11906189 (cited by Women's Health and Genetics/Laboratory Corporation of America, LabCorp and OMIM); PubMed 18172616 (cited by Women's Health and Genetics/Laboratory Corporation of America, LabCorp); PubMed 24307569 (cited by Women's Health and Genetics/Laboratory Corporation of America, LabCorp); PubMed 20057336 (cited by Women's Health and Genetics/Laboratory Corporation of America, LabCorp); PubMed 32860008 (cited by CENTOGENE GmbH and LLC - Guiding Precision Medicine); PubMed 15378351 (cited by OMIM).

NM_001072.4(UGT1A6):c.862-10021T>G

Genes: UGT1A (UDP glucuronosyltransferase family 1 member A complex locus; plus strand), UGT1A1 (UDP glucuronosyltransferase family 1 member A1; plus strand), UGT1A10 (UDP glucuronosyltransferase family 1 member A10; plus strand), UGT1A3 (UDP glucuronosyltransferase family 1 member A3; plus strand), UGT1A4 (UDP glucuronosyltransferase family 1 member A4; plus strand) and 5 more. Cytogenetic location: 2q37.1.
Variant type: single nucleotide variant.
Coding change: c.862-10021T>G on transcript NM_001072.4 (MANE Select); 10021 bases into the intron before coding-DNA position 862, T replaced by G.
Molecular consequence: intron variant.
Genome position (GRCh38, 1-based): chr2:233,757,013, T>G. VCF-style: chr2-233757013-T-G. GRCh37 (hg19) VCF-style: chr2-234665659-T-G.
Other names: -3263T-G, PROMOTER; c.856-10021T>G (NM_021027.2, NM_019076.5, NM_019075.4 and 2 more transcripts); c.61-10021T>G (NM_205862.3); c.868-10021T>G (NM_019078.2, NM_007120.3, NM_019093.4); c.-3275T>G (NM_000463.3).
Identifiers: ClinVar variation 12288 (VCV000012288.46), dbSNP rs4124874, ClinGen allele CA122117.